The following is an entry in ClinVar:

ClinVar aggregate classification (germline): Likely pathogenic (1 of 4 stars; one submission).

Conditions:
Severe intellectual disability-poor language-strabismus-grimacing face-long fingers syndrome (GAND). Also called: GAND SYNDROME. Identifiers: Orphanet 363686, MedGen C3554448, MONDO:0014034, OMIM 615074.

Submission:

Geisinger Autism and Developmental Medicine Institute, Geisinger Health System
Classification: Likely pathogenic for Severe intellectual disability-poor language-strabismus-grimacing face-long fingers syndrome. Last evaluated: 2018-02-05. Review status: criteria provided, single submitter. Criteria: ACMG CNV Guidelines, 2011. Collection method: provider interpretation. Allele origin: de novo. Affected: yes.
Comment: It was found to be de novo and likely impacts expression of the GATAD2B gene due to loss of regulatory region. Clinical correlation with previously reported patients with GATAD2B-related disorder was thought to be very good.

Single allele

Genes: DENND4B (DENN domain containing 4B; minus strand), CREB3L4 (cAMP responsive element binding protein 3 like 4; plus strand), CRTC2 (CREB regulated transcription coactivator 2; minus strand), GATAD2B (GATA zinc finger domain containing 2B; minus strand), JTB (jumping translocation breakpoint; minus strand) and 23 more. Cytogenetic location: 1q21.3.
Variant type: Deletion.
Identifiers: ClinVar variation 560045 (VCV000560045.3).